The following is an entry in ClinVar:

ClinVar aggregate classification (germline): Uncertain significance. Review status: criteria provided, multiple submitters, no conflicts (2 of 4 stars). 3 submissions from 3 submitters: Uncertain significance (3). Last evaluated 2025-01-17.

Conditions:
Frasier syndrome. Identifiers: Orphanet 347, MedGen C0950122, MeSH D052159, MONDO:0007635, OMIM 136680.
Drash syndrome (DDS). Also called: NEPHROPATHY, WILMS TUMOR, AND GENITAL ANOMALIES; WILMS TUMOR AND PSEUDO- OR TRUE HERMAPHRODITISM. Identifiers: Orphanet 220, MedGen C0950121, MONDO:0008682, OMIM 194080.
Wilms tumor 1 (WT1). Also called: Wilms tumor, somatic. Identifiers: Orphanet 654, MedGen CN033288, MONDO:0008679, OMIM 194070.
11p partial monosomy syndrome (WAGR). Also called: WAGR syndrome; WAGR Complex; CHROMOSOME 11p13 DELETION SYNDROME; WAGR Spectrum Disorder. Identifiers: Orphanet 893, MedGen C0206115, MONDO:0008681, OMIM 194072.
Inborn genetic diseases. Identifiers: MedGen C0950123, MeSH D030342.

Allele frequency attached by ClinVar (database versions not stated): gnomAD exomes below 0.00001.
gnomAD v4.1: 2 of 1,613,928 alleles (0.00012%); highest among the groups gnomAD compares: Non-Finnish European, 0.000085%; no homozygotes.

Submissions (3):

Ambry Genetics
Classification: Uncertain significance for Inborn genetic diseases. Last evaluated: 2025-01-17. Review status: criteria provided, single submitter. Criteria: Ambry Variant Classification Scheme 2023. Collection method: clinical testing. Allele origin: germline.
Comment: The p.M297I variant (also known as c.891G>T), located in coding exon 4 of the WT1 gene, results from a G to T substitution at nucleotide position 891. The methionine at codon 297 is replaced by isoleucine, an amino acid with highly similar properties. This amino acid position is conserved. In addition, the in silico prediction for this alteration is inconclusive. Based on the available evidence, the clinical significance of this variant remains unclear.

Labcorp Genetics (formerly Invitae), Labcorp
Classification: Uncertain significance for Wilms tumor 1; Drash syndrome; 11p partial monosomy syndrome; Frasier syndrome. Last evaluated: 2024-07-21. Review status: criteria provided, single submitter. Criteria: Invitae Variant Classification Sherloc (09022015). Collection method: clinical testing. Allele origin: germline.
Comment: This sequence change replaces methionine, which is neutral and non-polar, with isoleucine, which is neutral and non-polar, at codon 297 of the WT1 protein (p.Met297Ile). This variant is not present in population databases (gnomAD no frequency). This variant has not been reported in the literature in individuals affected with WT1-related conditions. An algorithm developed to predict the effect of missense changes on protein structure and function (PolyPhen-2) suggests that this variant is likely to be disruptive. In summary, the available evidence is currently insufficient to determine the role of this variant in disease. Therefore, it has been classified as a Variant of Uncertain Significance.

All of Us Research Program, National Institutes of Health
Classification: Uncertain significance for Wilms tumor 1. Last evaluated: 2024-05-14. Review status: criteria provided, single submitter. Criteria: ACMG Guidelines, 2015. Collection method: clinical testing. Allele origin: germline. Inheritance: Autosomal dominant inheritance. Observed: 1 variant allele, 1 heterozygote.
Comment: This missense variant replaces methionine with isoleucine at codon 297 of the WT1 protein. Computational prediction is inconclusive regarding the impact of this variant on protein structure and function. To our knowledge, functional studies have not been reported for this variant. This variant has not been reported in individuals affected with WT1-related disorders in the literature. This variant has not been identified in the general population by the Genome Aggregation Database (gnomAD). The available evidence is insufficient to determine the role of this variant in disease conclusively. Therefore, this variant is classified as a Variant of Uncertain Significance.

This study involves interpretation of variants in research participants for the purpose of population health screening. Participant phenotype was not available at the time of variant classification. Additional details can be found in publication PMID: 35346344, PMCID: PMC8962531

NM_024426.6(WT1):c.906G>T (p.Met302Ile)

Gene: WT1 (WT1 transcription factor; minus strand). Cytogenetic location: 11p13.
Variant type: single nucleotide variant.
Coding change: c.906G>T on transcript NM_024426.6 (MANE Select); coding-DNA position 906, G replaced by T.
Protein change: p.Met302Ile; replaces methionine 302 with isoleucine.
Molecular consequence: missense variant. On other transcripts: non-coding transcript variant (2).
Genome position (GRCh38, 1-based): chr11:32,417,636, C>A on the plus strand (G>T on the coding strand, the complement: WT1 is on the minus strand). VCF-style: chr11-32417636-C-A. GRCh37 (hg19) VCF-style: chr11-32439182-C-A.
Other names: c.906G>T, p.Met302Ile (NM_000378.6, NM_001407044.1, NM_001407045.1 and 4 more transcripts); c.255G>T, p.Met85Ile (NM_001198551.2, NM_001198552.2); c.783G>T, p.Met261Ile (NM_001407047.1, NM_001407050.1); c.144G>T, p.Met48Ile (NM_001407051.1); c.891G>T, p.Met297Ile (NM_024425.2); c.891G>T (NM_024426.4); short protein forms M48I, M261I, M297I, M85I, M302I.
Identifiers: ClinVar variation 2926856 (VCV002926856.5), dbSNP rs2133037585, ClinGen allele CA379962181.